The following is an entry in ClinVar:

NM_015599.3(PGM3):c.1504G>T (p.Asp502Tyr)

Genes: DOP1A (DOP1 leucine zipper like protein A; plus strand), PGM3 (phosphoglucomutase 3; minus strand). Cytogenetic location: 6q14.1.
Variant type: single nucleotide variant.
Coding change: c.1504G>T on transcript NM_015599.3 (MANE Select); coding-DNA position 1504, G replaced by T.
Protein change: p.Asp502Tyr; replaces aspartic acid 502 with tyrosine.
Molecular consequence: missense variant. On other transcripts: non-coding transcript variant (1).
Genome position (GRCh38, 1-based): chr6:83,170,340, C>A on the plus strand (G>T on the coding strand, the complement: PGM3 is on the minus strand). VCF-style: chr6-83170340-C-A. GRCh37 (hg19) VCF-style: chr6-83880059-C-A.
Other names: c.1588G>T, p.Asp530Tyr (NM_001199917.2, NM_001367287.1); c.1261G>T, p.Asp421Tyr (NM_001199918.2); c.1504G>T, p.Asp502Tyr (NM_001199919.2); c.1381G>T, p.Asp461Tyr (NM_001367286.1); short protein forms D502Y, D530Y, D421Y, D461Y.
Identifiers: ClinVar variation 133321 (VCV000133321.3), dbSNP rs267608261, ClinGen allele CA156420.

ClinVar aggregate classification (germline): Pathogenic. Review status: no assertion criteria provided (0 of 4 stars). 2 submissions from 2 submitters: Pathogenic (2). Last evaluated 2014-05-01.

Conditions:
Hyper-IgE syndrome. Also called: Hyper-IgE recurrent infection syndrome. Identifiers: Orphanet 331223, MedGen C3887645, MONDO:0018037.
Immunodeficiency 23 (IMD23). Also called: IMMUNODEFICIENCY WITH HYPER IgE AND COGNITIVE IMPAIRMENT; IMMUNODEFICIENCY-VASCULITIS-MYOCLONUS SYNDROME. Identifiers: Orphanet 443811, MedGen C4014371, MONDO:0014353, OMIM 615816.

Submissions (2):

OMIM
Classification: Pathogenic for IMMUNODEFICIENCY 23. Last evaluated: 2014-05-01. Review status: no assertion criteria provided. Collection method: literature only. Allele origin: germline.

Centre of Chronic Immunodeficiency, Freiburg University
Classification: Pathogenic. Review status: no assertion criteria provided. Collection method: not provided. Allele origin: germline.
Comment: Hypomorphic mutation;when homozygous causes AR-HIES
ClinVar note: Converted during submission from pathogenic to Pathogenic.

Literature cited by the submitters: PubMed 24698316 (cited by OMIM).